The following is an entry in ClinVar:

NM_000237.3(LPL):c.590G>A (p.Arg197His)

Gene: LPL (lipoprotein lipase; plus strand). Cytogenetic location: 8p21.3.
Variant type: single nucleotide variant.
Coding change: c.590G>A on transcript NM_000237.3 (MANE Select); coding-DNA position 590, G replaced by A.
Protein change: p.Arg197His; replaces arginine 197 with histidine.
Molecular consequence: missense variant.
Genome position (GRCh38, 1-based): chr8:19,954,168, G>A. VCF-style: chr8-19954168-G-A. GRCh37 (hg19) VCF-style: chr8-19811679-G-A.
Other names: short protein forms R197H.
Identifiers: ClinVar variation 521082 (VCV000521082.24), dbSNP rs372668179, ClinGen allele CA4655476.

ClinVar aggregate classification (germline): Pathogenic/Likely pathogenic. Review status: criteria provided, multiple submitters, no conflicts (2 of 4 stars). 11 submissions from 11 submitters: Pathogenic (4); Likely pathogenic (6). 1 of the submissions does not count toward it. Last evaluated 2026-02-17.

Conditions:
Cardiovascular phenotype. Identifiers: MedGen CN230736.
Hyperlipidemia, familial combined, LPL related (FCHL3). Also called: Hyperapobetalipoproteinemia. Identifiers: MedGen C0020474, MONDO:0007759, OMIM 144250, HP:0008158.
Hyperlipoproteinemia, type I. Also called: Familial hyperlipo-proteinemia type 1; Hyperlipemia essential familial; Lipoprotein Lipase Deficiency; HYPERLIPOPROTEINEMIA, TYPE IA; LPL DEFICIENCY; Lipase D deficiency. Identifiers: Orphanet 309015, Orphanet 444490, MedGen C0023817, MONDO:0009387, OMIM 238600. Disease mechanism: loss of function.
LPL-related disorder. Also called: LPL-related condition.

Allele frequency attached by ClinVar (database versions not stated): gnomAD 0.00001; TOPMed 0.00002; ESP Exome Variant Server 0.00008.
gnomAD v4.1: 28 of 1,614,002 alleles (0.0017%); highest among the groups gnomAD compares: Admixed American, 0.025%; no homozygotes.

Submissions 1 to 8 of 11:

PreventionGenetics, part of Exact Sciences
Classification: Likely pathogenic for LPL-related condition. Last evaluated: 2026-02-17. Review status: criteria provided, single submitter. Criteria: ACMG Guidelines, 2015. Collection method: clinical testing. Allele origin: germline.
Comment: The LPL c.590G>A variant is predicted to result in the amino acid substitution p.Arg197His. This variant, also described as p.Arg170His using legacy nomenclature, has been reported in the compound heterozygous state in at least two individuals with neonatal-onset (< 1 y.o.) hypertriglyceridemia due to lipoprotein lipase deficiency (Rabacchi et al. 2015. PubMed ID: 25966443; Hu et al. 2021. PubMed ID: 33217533). It has also been reported as a single heterozygous variant or in an unspecified zygosity in several hypertriglyceridemia or dyslipidemia cohorts (Wright et al. 2008. PubMed ID: 18068174; Surendran et al. 2012. PubMed ID: 22239554; Table S4, Dron et al. 2020. PubMed ID: 32041611). An in vitro study using transformed HEK293 cells found that the p.Arg197His variant led to moderately reduced LPL expression relative to wild type cells (Guo et al. 2022. PubMed ID: 35368694). This variant is reported in 0.040% of alleles in individuals of Latino descent in gnomAD. Other missense substitutions of the same amino acid (p.Arg170Leu, p.Arg170Cys) have also been reported in individuals with moderate to severe hypertriglyceridemia (Brites et al. 2003. PubMed ID: 12839295; Rabacchi et al. 2015. PubMed ID: 25966443; Table S2, Deshotels et al. 2022. PubMed ID: 36325899) and are classified as likely pathogenic and pathogenic in ClinVar (IDs: 1452072, 1471786). Taken together, this variant is interpreted as likely pathogenic.

Labcorp Genetics (formerly Invitae), Labcorp
Classification: Pathogenic. Last evaluated: 2026-01-07. Review status: criteria provided, single submitter. Criteria: Invitae Variant Classification Sherloc (09022015). Collection method: clinical testing. Allele origin: germline.
Comment: This sequence change replaces arginine, which is basic and polar, with histidine, which is basic and polar, at codon 197 of the LPL protein (p.Arg197His). This variant is present in population databases (rs372668179, gnomAD 0.04%). This missense change has been observed in individual(s) with clinical features of chylomicronemia (PMID: 25966443; internal data). In at least one individual the data is consistent with being in trans (on the opposite chromosome) from a pathogenic variant. ClinVar contains an entry for this variant (Variation ID: 521082). Invitae Evidence Modeling of protein sequence and biophysical properties (such as structural, functional, and spatial information, amino acid conservation, physicochemical variation, residue mobility, and thermodynamic stability) indicates that this missense variant is not expected to disrupt LPL protein function with a negative predictive value of 80%. This variant disrupts the p.Arg197 amino acid residue in LPL. Other variant(s) that disrupt this residue have been determined to be pathogenic (PMID: 12839295, 25966443). This suggests that this residue is clinically significant, and that variants that disrupt this residue are likely to be disease-causing. For these reasons, this variant has been classified as Pathogenic.

3billion
Classification: Pathogenic for Hyperlipoproteinemia, type I. Last evaluated: 2025-12-08. Review status: criteria provided, single submitter. Criteria: ACMG Guidelines, 2015. Collection method: clinical testing. Allele origin: germline. Affected: yes.
Comment: The variant is observed at an extremely low frequency in the gnomAD v4.1.0 dataset (total allele frequency: 0.002%). Predicted Consequence/Location: Missense variant In silico tool predictions suggest damaging effect of the variant on gene or gene product [REVEL: 0.62 (>=0.6, sensitivity 0.68 and specificity 0.92); 3Cnet: 0.99 (> 0.75, sensitivity 0.96 and precision 0.92)]. The same nucleotide change resulting in the same amino acid change has been previously reported as pathogenic/likely pathogenic with strong evidence (ClinVar ID: VCV000521082 /PMID: 25966443). Different missense changes at the same codon (p.Arg197Cys, p.Arg197Leu) have been reported as pathogenic/likely pathogenic with strong evidence (ClinVar ID: VCV001452072, VCV001471786). Therefore, this variant is classified as Pathogenic according to the recommendation of ACMG/AMP guideline.

Natera, Inc.
Classification: Likely pathogenic for Lipoprotein lipase deficiency. Last evaluated: 2025-11-30. Review status: criteria provided, single submitter. Criteria: Natera Variant Classification Schema (03/2026). Collection method: clinical testing. Allele origin: germline.
Comment: The c.590G>A variant in LPL is a missense variant predicted to cause substitution of arginine to histidine at amino acid 197. This variant is rare in the general population with a frequency below the threshold expected for the associated phenotype(s). This variant has been observed in one or more individuals affected with the associated recessive disease, as either homozygous or compound heterozygous with a second variant (PMID: 37858495, 25966443). A different variant at the same position has been determined to be Pathogenic or Likely Pathogenic. Computational prediction algorithms indicate this variant is likely to affect gene or protein function. Given the available evidence, this variant is classified as Likely Pathogenic.

Genomic Medicine Center of Excellence, King Faisal Specialist Hospital and Research Centre
Classification: Likely pathogenic for Hyperlipoproteinemia, type I. Last evaluated: 2025-09-10. Review status: criteria provided, single submitter. Criteria: ACMG Guidelines, 2015. Collection method: clinical testing. Allele origin: germline.

Women's Health and Genetics/Laboratory Corporation of America, LabCorp
Classification: Pathogenic for Hyperlipoproteinemia, type I. Last evaluated: 2025-05-22. Review status: criteria provided, single submitter. Criteria: LabCorp Variant Classification Summary - May 2015. Collection method: clinical testing. Allele origin: germline.
Comment: Variant summary: LPL c.590G>A (p.Arg197His) results in a non-conservative amino acid change located in the Lipase/vitellogenin domain (IPR013818) of the encoded protein sequence. Algorithms developed to predict the effect of missense changes on protein structure and function all suggest that this variant is likely to be disruptive. The variant allele was found at a frequency of 6.8e-05 in 251436 control chromosomes. This frequency is not significantly higher than estimated for a pathogenic variant in LPL causing Familial Lipoprotein Lipase Deficiency (6.8e-05 vs 0.0034), allowing no conclusion about variant significance. c.590G>A has been observed in compound heterozygous individual(s) affected with Familial Lipoprotein Lipase Deficiency and in heterozygous individuals with hypertriglyceridemia where no second variant in LPL was reported (e.g. Rabacchi_2015, Hu_2021, Xia_2023, Wright_2008, Surendran_2012, Internal data). These data indicate that the variant is likely to be associated with disease. It has also been reported as a heterozygous genotype combined with a different heterozygous LMF1 gene variant (c.1523C>T, p.Pro508Leu) in a family with hypertriglyceridemia with authors suggesting that severe hyptertriglyceridemia was of digenic origin caused by LMF1 and LPL double heterozygosity (Guo_2022). At least one publication reports experimental evidence evaluating an impact on protein function. The most pronounced variant effect results in 30%-50% of normal activity (e.g. Xia_2023). Additionally, a different variant affecting the same codon has been classified as pathogenic in ClinVar (c.590G>T, p.Arg197Leu), supporting the critical relevance of codon 197 to LPL protein function. The following publications have been ascertained in the context of this evaluation (PMID: 33588820, 32041611, 35368694, 33217533, 28267856, 35309119, 25966443, 22239554, 18068174, 37858495). ClinVar contains an entry for this variant (Variation ID: 521082). Based on the evidence outlined above, the variant was classified as pathogenic for Familial Lipoprotein Lipase Deficiency and Hypertriglyceridemia.

First Genomix Gene Laboratory, Genetic Diagnostics Department
Classification: Likely pathogenic for Hyperlipoproteinemia, type I. Last evaluated: 2025-01-22. Review status: criteria provided, single submitter. Criteria: ACMG Guidelines, 2015. Collection method: clinical testing. Allele origin: germline. Inheritance: Autosomal recessive inheritance. Affected: no. Observed: 1 variant allele.

GeneDx
Classification: Likely pathogenic. Last evaluated: 2024-12-19. Review status: criteria provided, single submitter. Criteria: GeneDx Variant Classification Process June 2021. Collection method: clinical testing. Allele origin: germline. Affected: yes.
Comment: Observed in multiple individuals with hypertriglyceridemia who were heterozygous or compound heterozygous for the p.(R197H) variant in published literature (PMID: 18068174, 22239554, 25966443, 28267856); Published functional studies suggest this variant results in partial reduction of LPL levels, however additional studies are needed to validate the functional effect of this variant in vivo (PMID: 35368694); In silico analysis supports that this missense variant has a deleterious effect on protein structure/function; This variant is associated with the following publications: (PMID: 22239554, 28267856, 25966443, 32041611, 33217533, 35130036, 35241092, 35368694, 18068174)